The following is an entry in ClinVar:

ClinVar aggregate classification (germline): Benign (1 of 4 stars; one submission).

Conditions:
Weill-Marchesani 4 syndrome, recessive. Also called: Weill-Marchesani syndrome 4. Identifiers: Orphanet 363992, MedGen C2750787, MONDO:0013176, OMIM 613195.

Allele frequency attached by ClinVar (database versions not stated): gnomAD exomes 0.02083; gnomAD 0.07709 and 0.08276; 1000 Genomes Project 0.08387; TOPMed 0.08777; 1000 Genomes Project 30x 0.09010.
gnomAD v4.1: 11,584 of 152,164 alleles (7.6%); highest among the groups gnomAD compares: African/African-American, 26%; 1,492 homozygotes.

Submission:

Illumina Laboratory Services, Illumina
Classification: Benign for Weill-Marchesani 4 syndrome, recessive. Last evaluated: 2018-01-12. Review status: criteria provided, single submitter. Criteria: ICSL Variant Classification Criteria 13 December 2019. Collection method: clinical testing. Allele origin: germline.
Comment: This variant was observed in the ICSL laboratory as part of a predisposition screen in an ostensibly healthy population. It had not been previously curated by ICSL or reported in the Human Gene Mutation Database (HGMD: prior to June 1st, 2018), and was therefore a candidate for classification through an automated scoring system. Utilizing variant allele frequency, disease prevalence and penetrance estimates, and inheritance mode, an automated score was calculated to assess if this variant is too frequent to cause the disease. Based on the score and internal cut-off values, a variant classified as benign is not then subjected to further curation. The score for this variant resulted in a classification of benign for this disease.

NM_139057.4(ADAMTS17):c.*2283A>G

Gene: ADAMTS17 (ADAM metallopeptidase with thrombospondin type 1 motif 17; minus strand). Cytogenetic location: 15q26.3.
Variant type: single nucleotide variant.
Coding change: c.*2283A>G on transcript NM_139057.4 (MANE Select); 2283 bases downstream of the stop codon, A replaced by G.
Molecular consequence: 3 prime UTR variant.
Genome position (GRCh38, 1-based): chr15:99,972,119, T>C on the plus strand (A>G on the coding strand, the complement: ADAMTS17 is on the minus strand). VCF-style: chr15-99972119-T-C. GRCh37 (hg19) VCF-style: chr15-100512324-T-C.
Identifiers: ClinVar variation 315154 (VCV000315154.5), dbSNP rs8025962, ClinGen allele CA10646840.